The following is an entry in ClinVar:

ClinVar aggregate classification (germline): Uncertain significance (1 of 4 stars; one submission).

Allele frequency attached by ClinVar (database versions not stated): gnomAD exomes 0.00001; ExAC 0.00002; gnomAD 0.00003 and 0.00004; TOPMed 0.00005; ESP Exome Variant Server 0.00015.
gnomAD v4.1: 13 of 1,613,924 alleles (0.00081%); highest among the groups gnomAD compares: African/African-American, 0.012%; no homozygotes.

Submission:

Labcorp Genetics (formerly Invitae), Labcorp
Classification: Uncertain significance. Last evaluated: 2022-05-08. Review status: criteria provided, single submitter. Criteria: Invitae Variant Classification Sherloc (09022015). Collection method: clinical testing. Allele origin: germline.
Comment: This sequence change replaces proline, which is neutral and non-polar, with serine, which is neutral and polar, at codon 529 of the AGBL5 protein (p.Pro529Ser). This variant is present in population databases (rs139220048, gnomAD 0.007%). This variant has not been reported in the literature in individuals affected with AGBL5-related conditions. ClinVar contains an entry for this variant (Variation ID: 837612). Algorithms developed to predict the effect of missense changes on protein structure and function are either unavailable or do not agree on the potential impact of this missense change (SIFT: "Tolerated"; PolyPhen-2: "Possibly Damaging"; Align-GVGD: "Class C0"). In summary, the available evidence is currently insufficient to determine the role of this variant in disease. Therefore, it has been classified as a Variant of Uncertain Significance.

NM_021831.6(AGBL5):c.1585C>T (p.Pro529Ser)

Gene: AGBL5 (AGBL carboxypeptidase 5; plus strand). Cytogenetic location: 2p23.3.
Variant type: single nucleotide variant.
Coding change: c.1585C>T on transcript NM_021831.6 (MANE Select); coding-DNA position 1585, C replaced by T.
Protein change: p.Pro529Ser; replaces proline 529 with serine.
Molecular consequence: missense variant. On other transcripts: non-coding transcript variant (2).
Genome position (GRCh38, 1-based): chr2:27,057,352, C>T. VCF-style: chr2-27057352-C-T. GRCh37 (hg19) VCF-style: chr2-27280220-C-T.
Other names: c.1585C>T, p.Pro529Ser (NM_001035507.3); short protein forms P529S.
Identifiers: ClinVar variation 837612 (VCV000837612.7), dbSNP rs139220048, ClinGen allele CA1567909.